The following is an entry in ClinVar:

ClinVar aggregate classification (germline): Uncertain significance (1 of 4 stars; one submission).

Submission:

Labcorp Genetics (formerly Invitae), Labcorp
Classification: Uncertain significance. Last evaluated: 2022-08-15. Review status: criteria provided, single submitter. Criteria: Invitae Variant Classification Sherloc (09022015). Collection method: clinical testing. Allele origin: germline.
Comment: This variant results in a copy number gain of the genomic region encompassing exon(s) 1-4 of the TRAPPC9 gene. This region includes the initiator codon of the gene. This copy number gain extends beyond the assayed region for this gene and therefore may encompass additional genes. As the precise location of this event is unknown, it may be in tandem or it may be located elsewhere in the genome. This variant has not been reported in the literature in individuals affected with TRAPPC9-related conditions. In summary, the available evidence is currently insufficient to determine the role of this variant in disease. Therefore, it has been classified as a Variant of Uncertain Significance.

NC_000008.10:g.(?_141445191)_(141468663_?)dup

Gene: TRAPPC9 (trafficking protein particle complex subunit 9; minus strand). Cytogenetic location: 8q24.3.
Variant type: Duplication.
Identifiers: ClinVar variation 2426979 (VCV002426979.3).